The following is an entry in ClinVar:

NM_006565.4(CTCF):c.293T>G (p.Leu98Ter)

Gene: CTCF (CCCTC-binding factor; plus strand). Cytogenetic location: 16q22.1.
Variant type: single nucleotide variant.
Coding change: c.293T>G on transcript NM_006565.4 (MANE Select); coding-DNA position 293, T replaced by G.
Protein change: p.Leu98Ter; replaces leucine 98 with a stop codon.
Molecular consequence: nonsense. On other transcripts: intron variant (1).
Genome position (GRCh38, 1-based): chr16:67,611,125, T>G. VCF-style: chr16-67611125-T-G. GRCh37 (hg19) VCF-style: chr16-67645028-T-G.
Other names: c.293T>G, p.Leu98Ter (NM_001363916.2); c.-32-5620T>G (NM_001191022.2); short protein forms L98*.
Identifiers: ClinVar variation 3376368 (VCV003376368.1).

ClinVar aggregate classification (germline): Likely pathogenic (1 of 4 stars; one submission).

Conditions:
CTCF-related neurodevelopmental disorder. Also called: Intellectual disability-feeding difficulties-developmental delay-microcephaly syndrome; INTELLECTUAL DEVELOPMENTAL DISORDER, AUTOSOMAL DOMINANT 21. Identifiers: Orphanet 363611, MedGen C3809686, MONDO:0014213, OMIM 615502.

Submission:

Pittsburgh Clinical Genomics Laboratory, University of Pittsburgh Medical Center
Classification: Likely pathogenic for CTCF-related neurodevelopmental disorder. Last evaluated: 2024-02-01. Review status: criteria provided, single submitter. Criteria: ACMG Guidelines, 2015. Collection method: clinical testing. Allele origin: germline. Inheritance: Autosomal dominant inheritance. Affected: yes.
Comment: This sequence variant is a single nucleotide substitution (T>G) at position 293 of the coding sequence of the CTCF gene which changes the Leu98 codon to an early termination codon. As it occurs in exon 3 of 12, this variant is predicted to generate a non-functional allele through either the expression of a truncated protein or a loss of CTCF expression due to nonsense-mediated decay. This variant is absent from ClinVar and has not been observed in individuals affected by a CTCF-related disorder in the published literature, to our knowledge. This variant is absent from the gnomAD v4.0.0 population database (0/~1,461,000 alleles). Haploinsufficiency in CTCF is a known mechanism of disease. Based upon the evidence, we consider this variant to be likely pathogenic. ACMG Criteria: PM2, PVS1